The following is an entry in ClinVar:

NM_000548.5(TSC2):c.1122C>G (p.Thr374=)

Gene: TSC2 (TSC complex subunit 2; plus strand). Cytogenetic location: 16p13.3.
Variant type: single nucleotide variant.
Coding change: c.1122C>G on transcript NM_000548.5 (MANE Select); coding-DNA position 1122, C replaced by G.
Protein change: p.Thr374=; no amino-acid change (threonine 374 retained).
Molecular consequence: synonymous variant.
Genome position (GRCh38, 1-based): chr16:2,061,873, C>G. VCF-style: chr16-2061873-C-G. GRCh37 (hg19) VCF-style: chr16-2111874-C-G.
Other names: c.1122C>G (NM_000548.3); c.1122C>G, p.Thr374= (NM_001077183.3, NM_001114382.3, NM_001363528.2 and 3 more transcripts); c.1011C>G, p.Thr337= (NM_001318827.2); c.975C>G, p.Thr325= (NM_001318829.2); c.522C>G, p.Thr174= (NM_001318831.2); c.1155C>G, p.Thr385= (NM_001318832.2).
Identifiers: ClinVar variation 502423 (VCV000502423.10), dbSNP rs1555500988, ClinGen allele CA492961647.
Genomic context (GRCh38, chr16:2,061,873, plus strand): 5'-GTGCCAAGTCCATGTGGGGAGTGGAAGTCAGCCTGTGTCATCGTGCCTGGTACTGCAGAC[C>G]TTGGACAGCCCGGAGCTCAGGACCATCGTCCATGACCTGTTGACCACGGTGGAGGAGCTG-3'
Protein context (NP_000539.2, residues 364-384): IIERLLQQLQ[Thr374=]LDSPELRTIV

ClinVar aggregate classification (germline): Conflicting classifications of pathogenicity. Review status: criteria provided, conflicting classifications (1 of 4 stars). 4 submissions from 4 submitters: Uncertain significance (1); Benign (1); Likely benign (2). Last evaluated 2025-09-06.

Conditions:
Hereditary cancer-predisposing syndrome. Also called: Hereditary Cancer Syndrome; Tumor predisposition; Neoplastic Syndromes, Hereditary; Hereditary neoplastic syndrome. Identifiers: Orphanet 140162, MedGen C0027672, MeSH D009386, MONDO:0015356.
Tuberous sclerosis 2 (TSC2). Identifiers: Orphanet 805, MedGen C1860707, MONDO:0013199, OMIM 613254.

Allele frequency attached by ClinVar (database versions not stated): gnomAD 0.00001.
gnomAD v4.1: 1 of 1,614,002 alleles (0.000062%); highest among the groups gnomAD compares: Admixed American, 0.0017%; no homozygotes.

Submissions (4):

Ambry Genetics
Classification: Likely benign for Hereditary cancer-predisposing syndrome. Last evaluated: 2025-09-06. Review status: criteria provided, single submitter. Criteria: Ambry Variant Classification Scheme 2023. Collection method: clinical testing. Allele origin: germline.

Myriad Genetics, Inc.
Classification: Benign for Tuberous sclerosis 2. Last evaluated: 2025-05-13. Review status: criteria provided, single submitter. Criteria: Myriad Autosomal Dominant, Autosomal Recessive and X-Linked Classification Criteria (2023). Collection method: clinical testing. Allele origin: unknown.
Comment: This variant is considered benign. This variant is a silent/synonymous amino acid change and it is not expected to impact splicing.

Labcorp Genetics (formerly Invitae), Labcorp
Classification: Likely benign for Tuberous sclerosis 2. Last evaluated: 2022-12-17. Review status: criteria provided, single submitter. Criteria: Invitae Variant Classification Sherloc (09022015). Collection method: clinical testing. Allele origin: germline.

Eurofins Ntd Llc (ga)
Classification: Uncertain significance. Last evaluated: 2017-06-26. Review status: criteria provided, single submitter. Criteria: EGL Classification Definitions 2015. Collection method: clinical testing. Allele origin: germline. Observed: 1 variant allele, 1 heterozygote.